The following is an entry in ClinVar:

NM_005051.3(QARS1):c.1832T>C (p.Ile611Thr)

Gene: QARS1 (glutaminyl-tRNA synthetase 1; minus strand). Cytogenetic location: 3p21.31.
Variant type: single nucleotide variant.
Coding change: c.1832T>C on transcript NM_005051.3 (MANE Select); coding-DNA position 1832, T replaced by C.
Protein change: p.Ile611Thr; replaces isoleucine 611 with threonine.
Molecular consequence: missense variant. On other transcripts: non-coding transcript variant (1).
Genome position (GRCh38, 1-based): chr3:49,098,916, A>G on the plus strand (T>C on the coding strand, the complement: QARS1 is on the minus strand). VCF-style: chr3-49098916-A-G. GRCh37 (hg19) VCF-style: chr3-49136349-A-G.
Other names: c.1799T>C, p.Ile600Thr (NM_001272073.2); c.1832T>C (NM_005051.1); short protein forms I600T, I611T.
Identifiers: ClinVar variation 1216467 (VCV001216467.4), dbSNP rs757743183, ClinGen allele CA2391627.

ClinVar aggregate classification (germline): Uncertain significance. Review status: criteria provided, multiple submitters, no conflicts (2 of 4 stars). 2 submissions from 2 submitters: Uncertain significance (2). Last evaluated 2024-11-20.

Conditions:
Inborn genetic diseases. Identifiers: MedGen C0950123, MeSH D030342.

gnomAD v4.1: 6 of 1,614,040 alleles (0.00037%); highest among the groups gnomAD compares: Middle Eastern, 0.016%; no homozygotes.

Submissions (2):

Ambry Genetics
Classification: Uncertain significance for Inborn genetic diseases. Last evaluated: 2024-11-20. Review status: criteria provided, single submitter. Criteria: Ambry Variant Classification Scheme 2023. Collection method: clinical testing. Allele origin: germline.

GeneDx
Classification: Uncertain significance. Last evaluated: 2019-09-17. Review status: criteria provided, single submitter. Criteria: GeneDx Variant Classification Process June 2021. Collection method: clinical testing. Allele origin: germline. Affected: yes.
Comment: Not observed at a significant frequency in large population cohorts (Lek et al., 2016); In silico analysis, which includes protein predictors and evolutionary conservation, supports that this variant does not alter protein structure/function; Has not been previously published as pathogenic or benign to our knowledge